The following is an entry in ClinVar:

NC_000020.10:g.(?_35547747)_(35547942_?)del

Gene: SAMHD1 (SAM and HD domain containing deoxynucleoside triphosphate triphosphohydrolase 1; minus strand). Cytogenetic location: 20q11.23.
Variant type: Deletion.
Identifiers: ClinVar variation 2426159 (VCV002426159.3).

ClinVar aggregate classification (germline): Uncertain significance (1 of 4 stars; one submission).

Conditions:
Aicardi-Goutieres syndrome 5. Identifiers: Orphanet 51, MedGen C2749659, MONDO:0013059, OMIM 612952.

Submission:

Labcorp Genetics (formerly Invitae), Labcorp
Classification: Uncertain significance for Aicardi-Goutieres syndrome 5. Last evaluated: 2022-10-17. Review status: criteria provided, single submitter. Criteria: Invitae Variant Classification Sherloc (09022015). Collection method: clinical testing. Allele origin: germline.
Comment: This variant is a gross deletion of the genomic region encompassing exon(s) 7 of the SAMHD1 gene. This variant would be expected to be in-frame, preserving the integrity of the reading frame. This variant has not been reported in the literature in individuals affected with SAMHD1-related conditions. This variant disrupts a region of the SAMHD1 protein in which other variant(s) (p.Met254Val) have been observed in individuals with SAMHD1-related conditions (PMID: 19525956). This suggests that this is a clinically significant region of the protein, and that variants that disrupt it are likely to be disease-causing. In summary, the available evidence is currently insufficient to determine the role of this variant in disease. Therefore, it has been classified as a Variant of Uncertain Significance.

Literature cited by the submitters: PubMed 19525956.